The following is an entry in ClinVar:

ClinVar aggregate classification (germline): Uncertain significance (1 of 4 stars; one submission).

Conditions:
Carnitine acylcarnitine translocase deficiency (CACTD). Identifiers: Orphanet 159, MedGen C0342791, MONDO:0008918, OMIM 212138.

Allele frequency attached by ClinVar (database versions not stated): gnomAD 0.00001; TOPMed 0.00001.
gnomAD v4.1: 13 of 1,613,296 alleles (0.00081%); highest among the groups gnomAD compares: Non-Finnish European, 0.0011%; no homozygotes.

Submission:

Labcorp Genetics (formerly Invitae), Labcorp
Classification: Uncertain significance for Carnitine acylcarnitine translocase deficiency. Last evaluated: 2025-08-04. Review status: criteria provided, single submitter. Criteria: Invitae Variant Classification Sherloc (09022015). Collection method: clinical testing. Allele origin: germline.
Comment: This sequence change replaces leucine, which is neutral and non-polar, with valine, which is neutral and non-polar, at codon 63 of the SLC25A20 protein (p.Leu63Val). This variant is not present in population databases (gnomAD no frequency). This variant has not been reported in the literature in individuals affected with SLC25A20-related conditions. ClinVar contains an entry for this variant (Variation ID: 1464868). Invitae Evidence Modeling of protein sequence and biophysical properties (such as structural, functional, and spatial information, amino acid conservation, physicochemical variation, residue mobility, and thermodynamic stability) indicates that this missense variant is not expected to disrupt SLC25A20 protein function with a negative predictive value of 80%. In summary, the available evidence is currently insufficient to determine the role of this variant in disease. Therefore, it has been classified as a Variant of Uncertain Significance.

NM_000387.6(SLC25A20):c.187C>G (p.Leu63Val)

Gene: SLC25A20 (solute carrier family 25 member 20; minus strand). Cytogenetic location: 3p21.31.
Variant type: single nucleotide variant.
Coding change: c.187C>G on transcript NM_000387.6 (MANE Select); coding-DNA position 187, C replaced by G.
Protein change: p.Leu63Val; replaces leucine 63 with valine.
Molecular consequence: missense variant.
Genome position (GRCh38, 1-based): chr3:48,891,991, G>C on the plus strand (C>G on the coding strand, the complement: SLC25A20 is on the minus strand). VCF-style: chr3-48891991-G-C. GRCh37 (hg19) VCF-style: chr3-48929424-G-C.
Other names: short protein forms L63V.
Identifiers: ClinVar variation 1464868 (VCV001464868.4), dbSNP rs1044481006, ClinGen allele CA73998456.
Genomic context (GRCh38, chr3:48,891,991, plus strand): 5'-CCCGTGAATGTGTTCTGAGTAAGAGGAATGCCCAGCACCATATACCAACCTCTCTAAAAA[G>C]AGTCTTCCGGAAACAGTCAAAGGTCCCAGAGTACATGGGAGGTTGTCCAGGCAAACTCGG-3'
Protein context (NP_000378.1, residues 53-73): SGTFDCFRKT[Leu63Val]FREGITGLYR